The following is an entry in ClinVar:

ClinVar aggregate classification (germline): Likely pathogenic. Review status: criteria provided, single submitter (1 of 4 stars). 2 submissions from 1 submitter: Likely pathogenic (2). Last evaluated 2022-06-17.

Conditions:
Lysosomal acid lipase deficiency. Also called: Acid cholesteryl ester hydrolase deficiency, type 2. Identifiers: Orphanet 275761, MedGen C5574740, MONDO:0800449, MONDO:0010204.
Wolman disease (WOLD). Also called: Acid cholesteryl ester hydrolase deficiency, Wolman type; Acid lipase disease; Wolman disease, CESD; LYSOSOMAL ACID LIPASE DEFICIENCY, ACUTE INFANTILE; LYSOSOMAL ACID LIPASE DEFICIENCY, COMPLETE; LIPA DEFICIENCY, COMPLETE. Identifiers: Orphanet 75233, MedGen C0043208, MONDO:0019148, OMIM 620151.

Submissions (2):

Labcorp Genetics (formerly Invitae), Labcorp
Classification: Likely pathogenic for Wolman disease. Last evaluated: 2022-06-17. Review status: criteria provided, single submitter. Criteria: Invitae Variant Classification Sherloc (09022015). Collection method: clinical testing. Allele origin: germline.
Comment: This variant is a gross deletion of the genomic region encompassing exon(s) 9-10 of the LIPA gene, which includes the termination codon. This deletion extends beyond the assayed region for this gene and therefore may encompass additional genes. While this deletion is not anticipated to lead to nonsense mediated decay, it is expected to alter mRNA translation or result in a truncated protein product. A similar copy number variant has been observed in individual(s) with clinical features of LIPA-related conditions (Invitae). This variant disrupts the p.Gly342 amino acid residue in LIPA. Other variant(s) that disrupt this residue have been determined to be pathogenic (PMID: 10562460, 22227072, 24048164, 28881270, 29196158). This suggests that this residue is clinically significant, and that variants that disrupt this residue are likely to be disease-causing. In summary, the currently available evidence indicates that the variant is pathogenic, but additional data are needed to prove that conclusively. Therefore, this variant has been classified as Likely Pathogenic.

Labcorp Genetics (formerly Invitae), Labcorp
Classification: Likely pathogenic for Lysosomal acid lipase deficiency. Last evaluated: 2019-10-30. Review status: criteria provided, single submitter. Criteria: Invitae Variant Classification Sherloc (09022015). Collection method: clinical testing. Allele origin: germline.
Comment: This variant is a gross deletion of the genomic region encompassing exons 9-10 of the LIPA gene. The 5' boundary is likely confined to intron 8. The 3' end of this event is unknown as it extends through the termination codon beyond the assayed region for this gene and may encompass additional genes. While this deletion is not anticipated to result in nonsense mediated decay, it is expected to create a truncated protein product or disrupt mRNA translation. This variant has not been reported in the literature in individuals with LIPA-related conditions. This variant disrupts the p.Gly342 amino acid residue in LIPA. Other variant(s) that disrupt this residue have been determined to be pathogenic (PMID: 10562460, 24048164, 28881270, 22227072, 29196158). This suggests that this residue is clinically significant, and that variants that disrupt this residue are likely to be disease-causing. In summary, the currently available evidence indicates that the variant is pathogenic, but additional data are needed to prove that conclusively. Therefore, this variant has been classified as Likely Pathogenic.

Literature cited by the submitters: PubMed 10562460; PubMed 22227072; PubMed 24048164; PubMed 28881270; PubMed 29196158.

NC_000010.11:g.(?_89214808)_(89216029_?)del

Gene: LIPA (lipase A, lysosomal acid type; minus strand). Cytogenetic location: 10q23.31.
Variant type: Deletion.
Identifiers: ClinVar variation 833019 (VCV000833019.8).